The following is an entry in ClinVar:

NM_001077653.2(TBX20):c.1063A>G (p.Ser355Gly)

Gene: TBX20 (T-box transcription factor 20; minus strand). Cytogenetic location: 7p14.2.
Variant type: single nucleotide variant.
Coding change: c.1063A>G on transcript NM_001077653.2 (MANE Select); coding-DNA position 1063, A replaced by G.
Protein change: p.Ser355Gly; replaces serine 355 with glycine.
Molecular consequence: missense variant.
Genome position (GRCh38, 1-based): chr7:35,202,711, T>C on the plus strand (A>G on the coding strand, the complement: TBX20 is on the minus strand). VCF-style: chr7-35202711-T-C. GRCh37 (hg19) VCF-style: chr7-35242323-T-C.
Other names: short protein forms S355G.
Identifiers: ClinVar variation 4181265 (VCV004181265.1).
Genomic context (GRCh38, chr7:35,202,711, plus strand): 5'-TGGATGCTGTGCTGGTGCCAAGAGCAGTCAGGGACTGTGGGTGCTGAAACCCAGGAAAAC[T>C]GGAAGAAGATGATACCCAGGAGCTGAGAGACAAATTATCAGATGTTGTAAAGGCTGACCC-3'
Protein context (NP_001071121.1, residues 345-365): SLSSWVSSSS[Ser355Gly]FPGFQHPQSL

ClinVar aggregate classification (germline): Uncertain significance (1 of 4 stars; one submission).

Conditions:
Cardiovascular phenotype. Identifiers: MedGen CN230736.

gnomAD v4.1: 3 of 1,597,074 alleles (0.00019%); highest among the groups gnomAD compares: Non-Finnish European, 0.000085%; no homozygotes.

Submission:

Ambry Genetics
Classification: Uncertain significance for Cardiovascular phenotype. Last evaluated: 2025-08-09. Review status: criteria provided, single submitter. Criteria: Ambry Variant Classification Scheme 2023. Collection method: clinical testing. Allele origin: germline.
Comment: The p.S355G variant (also known as c.1063A>G), located in coding exon 8 of the TBX20 gene, results from an A to G substitution at nucleotide position 1063. The serine at codon 355 is replaced by glycine, an amino acid with similar properties. This amino acid position is conserved. In addition, this alteration is predicted to be tolerated by in silico analysis. Based on the available evidence, the clinical significance of this variant remains unclear.